The following is an entry in ClinVar:

NM_003590.5(CUL3):c.1289G>A (p.Arg430His)

Gene: CUL3 (cullin 3; minus strand). Cytogenetic location: 2q36.2.
Variant type: single nucleotide variant.
Coding change: c.1289G>A on transcript NM_003590.5 (MANE Select); coding-DNA position 1289, G replaced by A.
Protein change: p.Arg430His; replaces arginine 430 with histidine.
Molecular consequence: missense variant.
Genome position (GRCh38, 1-based): chr2:224,503,740, C>T on the plus strand (G>A on the coding strand, the complement: CUL3 is on the minus strand). VCF-style: chr2-224503740-C-T. GRCh37 (hg19) VCF-style: chr2-225368457-C-T.
Other names: c.1091G>A, p.Arg364His (NM_001257197.2); c.1307G>A, p.Arg436His (NM_001257198.2); short protein forms R364H, R430H, R436H.
Identifiers: ClinVar variation 2635326 (VCV002635326.1), dbSNP rs2106197089, ClinGen allele CA350827457.

ClinVar aggregate classification (germline): Uncertain significance (1 of 4 stars; one submission).

Conditions:
CUL3-related disorder. Also called: CUL3-related condition; CUL3-related disorders.

Allele frequency attached by ClinVar (database versions not stated): gnomAD exomes below 0.00001.

Submission:

PreventionGenetics, part of Exact Sciences
Classification: Uncertain significance for CUL3-related condition. Last evaluated: 2022-11-30. Review status: criteria provided, single submitter. Criteria: ACMG Guidelines, 2015. Collection method: clinical testing. Allele origin: germline.
Comment: The CUL3 c.1289G>A variant is predicted to result in the amino acid substitution p.Arg430His. To our knowledge, this variant has not been reported in the literature or in a large population database, indicating this variant is rare. At this time, the clinical significance of this variant is uncertain due to the absence of conclusive functional and genetic evidence.